The following is an entry in ClinVar:

ClinVar aggregate classification (germline): Uncertain significance. Review status: criteria provided, multiple submitters, no conflicts (2 of 4 stars). 3 submissions from 3 submitters: Uncertain significance (3). Last evaluated 2025-03-06.

Conditions:
Hereditary cancer-predisposing syndrome. Also called: Hereditary neoplastic syndrome; Tumor predisposition; Hereditary Cancer Syndrome; Neoplastic Syndromes, Hereditary. Identifiers: Orphanet 140162, MedGen C0027672, MeSH D009386, MONDO:0015356.
Rhabdoid tumor predisposition syndrome 2 (RTPS2). Identifiers: Orphanet 231108, Orphanet 69077, MedGen C2750074, MONDO:0013224, OMIM 613325.

Allele frequency attached by ClinVar (database versions not stated): gnomAD exomes below 0.00001.
gnomAD v4.1: 2 of 1,612,932 alleles (0.00012%); highest among the groups gnomAD compares: South Asian, 0.0011%; no homozygotes.

Submissions (3):

Ambry Genetics
Classification: Uncertain significance for Hereditary cancer-predisposing syndrome. Last evaluated: 2025-03-06. Review status: criteria provided, single submitter. Criteria: Ambry Variant Classification Scheme 2023. Collection method: clinical testing. Allele origin: germline.
Comment: The p.P354S variant (also known as c.1060C>T), located in coding exon 5 of the SMARCA4 gene, results from a C to T substitution at nucleotide position 1060. The proline at codon 354 is replaced by serine, an amino acid with similar properties. This amino acid position is highly conserved in available vertebrate species. In addition, the in silico prediction for this alteration is inconclusive. Since supporting evidence is limited at this time, the clinical significance of this alteration remains unclear.

Labcorp Genetics (formerly Invitae), Labcorp
Classification: Uncertain significance for Rhabdoid tumor predisposition syndrome 2. Last evaluated: 2023-08-09. Review status: criteria provided, single submitter. Criteria: Invitae Variant Classification Sherloc (09022015). Collection method: clinical testing. Allele origin: germline.
Comment: In summary, the available evidence is currently insufficient to determine the role of this variant in disease. Therefore, it has been classified as a Variant of Uncertain Significance. Advanced modeling of protein sequence and biophysical properties (such as structural, functional, and spatial information, amino acid conservation, physicochemical variation, residue mobility, and thermodynamic stability) has been performed at Invitae for this missense variant, however the output from this modeling did not meet the statistical confidence thresholds required to predict the impact of this variant on SMARCA4 protein function. ClinVar contains an entry for this variant (Variation ID: 220871). This variant has not been reported in the literature in individuals affected with SMARCA4-related conditions. This variant is not present in population databases (gnomAD no frequency). This sequence change replaces proline, which is neutral and non-polar, with serine, which is neutral and polar, at codon 354 of the SMARCA4 protein (p.Pro354Ser).

Breakthrough Genomics
Classification: Uncertain significance. Review status: criteria provided, single submitter. Criteria: ACMG Guidelines, 2015. Collection method: not provided. Allele origin: germline. Inheritance: Autosomal dominant inheritance. Affected: yes.

NM_003072.5(SMARCA4):c.1060C>T (p.Pro354Ser)

Gene: SMARCA4 (SWI/SNF related BAF chromatin remodeling complex subunit ATPase 4; plus strand). Cytogenetic location: 19p13.2.
Variant type: single nucleotide variant.
Coding change: c.1060C>T on transcript NM_003072.5 (MANE Select); coding-DNA position 1060, C replaced by T.
Protein change: p.Pro354Ser; replaces proline 354 with serine.
Molecular consequence: missense variant. On other transcripts: non-coding transcript variant (1).
Genome position (GRCh38, 1-based): chr19:10,987,866, C>T. VCF-style: chr19-10987866-C-T. GRCh37 (hg19) VCF-style: chr19-11098542-C-T.
Other names: c.1060C>T, p.Pro354Ser (NM_001128844.3, NM_001128845.2, NM_001128846.2 and 5 more transcripts); short protein forms P354S.
Identifiers: ClinVar variation 220871 (VCV000220871.10), dbSNP rs864622680, ClinGen allele CA350780.